The following is an entry in ClinVar:

NM_001040108.2(MLH3):c.4348T>C (p.Cys1450Arg)

Gene: MLH3 (mutL homolog 3; minus strand). Cytogenetic location: 14q24.3.
Variant type: single nucleotide variant.
Coding change: c.4348T>C on transcript NM_001040108.2 (MANE Select); coding-DNA position 4348, T replaced by C.
Protein change: p.Cys1450Arg; replaces cysteine 1450 with arginine.
Molecular consequence: missense variant.
Genome position (GRCh38, 1-based): chr14:75,017,096, A>G on the plus strand (T>C on the coding strand, the complement: MLH3 is on the minus strand). VCF-style: chr14-75017096-A-G. GRCh37 (hg19) VCF-style: chr14-75483799-A-G.
Other names: c.4276T>C, p.Cys1426Arg (NM_014381.3); short protein forms C1426R, C1450R.
Identifiers: ClinVar variation 1739901 (VCV001739901.2), dbSNP rs2503031718, ClinGen allele CA390417503.
Genomic context (GRCh38, chr14:75,017,096, plus strand): 5'-ATACAGTGAACATCCCTTTGTTCCTTTTAGACCAGTGATTCTGTTCTCATGGTGGCTCAC[A>G]GGGAGGCATGGATTGCTGCAGGCTCTGCCTTGTATCACACTCTGCTTTTCCAAAGAGACG-3'
Protein context (NP_001035197.1, residues 1440-1453): RQSLQQSMPP[Cys1450Arg]EPP

ClinVar aggregate classification (germline): Uncertain significance (1 of 4 stars; one submission).

Submission:

Ambry Genetics
Classification: Uncertain significance. Last evaluated: 2022-04-10. Review status: criteria provided, single submitter. Criteria: Ambry Variant Classification Scheme 2023. Collection method: clinical testing. Allele origin: germline.
Comment: The p.C1450R variant (also known as c.4348T>C), located in coding exon 12 of the MLH3 gene, results from a T to C substitution at nucleotide position 4348. The cysteine at codon 1450 is replaced by arginine, an amino acid with highly dissimilar properties. This amino acid position is conserved. In addition, this alteration is predicted to be deleterious by in silico analysis. Since supporting evidence is limited at this time, the clinical significance of this alteration remains unclear.